The following is an entry in ClinVar:

NM_007098.4(CLTCL1):c.3494G>A (p.Arg1165His)

Gene: CLTCL1 (clathrin heavy chain like 1; minus strand). Cytogenetic location: 22q11.21.
Variant type: single nucleotide variant.
Coding change: c.3494G>A on transcript NM_007098.4 (MANE Select); coding-DNA position 3494, G replaced by A.
Protein change: p.Arg1165His; replaces arginine 1165 with histidine.
Molecular consequence: missense variant.
Genome position (GRCh38, 1-based): chr22:19,208,260, C>T on the plus strand (G>A on the coding strand, the complement: CLTCL1 is on the minus strand). VCF-style: chr22-19208260-C-T. GRCh37 (hg19) VCF-style: chr22-19195770-C-T.
Other names: p.Arg1165His; c.3494G>A, p.Arg1165His (NM_001835.4); short protein forms R1165H.
Identifiers: ClinVar variation 2345957 (VCV002345957.3), dbSNP rs372594770, ClinGen allele CA10098082.

ClinVar aggregate classification (germline): Conflicting classifications of pathogenicity. Review status: criteria provided, conflicting classifications (1 of 4 stars). 2 submissions from 2 submitters: Uncertain significance (1); Likely benign (1). Last evaluated 2024-06-24.

Allele frequency attached by ClinVar (database versions not stated): ESP Exome Variant Server 0.00008; TOPMed 0.00010; gnomAD 0.00011.
gnomAD v4.1: 285 of 1,613,682 alleles (0.018%); highest among the groups gnomAD compares: Non-Finnish European, 0.023%; no homozygotes.

Submissions (2):

Mayo Clinic Laboratories, Mayo Clinic
Classification: Uncertain significance. Last evaluated: 2024-06-24. Review status: criteria provided, single submitter. Criteria: ACMG Guidelines, 2015. Collection method: clinical testing. Allele origin: germline. Observed: 1 variant allele.
Comment: BP4

Ambry Genetics
Classification: Likely benign. Last evaluated: 2022-11-18. Review status: criteria provided, single submitter. Criteria: Ambry Variant Classification Scheme 2023. Collection method: clinical testing. Allele origin: germline.